The following is an entry in ClinVar:

NM_001042492.3(NF1):c.2054C>A (p.Thr685Asn)

Gene: NF1 (neurofibromin 1; plus strand). Cytogenetic location: 17q11.2.
Variant type: single nucleotide variant.
Coding change: c.2054C>A on transcript NM_001042492.3 (MANE Select); coding-DNA position 2054, C replaced by A.
Protein change: p.Thr685Asn; replaces threonine 685 with asparagine.
Molecular consequence: missense variant.
Genome position (GRCh38, 1-based): chr17:31,226,487, C>A. VCF-style: chr17-31226487-C-A. GRCh37 (hg19) VCF-style: chr17-29553505-C-A.
Other names: c.2054C>A, p.Thr685Asn (NM_000267.4); short protein forms T685N.
Identifiers: ClinVar variation 1366001 (VCV001366001.13), dbSNP rs876658190, ClinGen allele CA398982103.

ClinVar aggregate classification (germline): Uncertain significance. Review status: criteria provided, multiple submitters, no conflicts (2 of 4 stars). 3 submissions from 3 submitters: Uncertain significance (2). 1 of the submissions does not count toward it. Last evaluated 2025-07-17.

Conditions:
Cardiovascular phenotype. Identifiers: MedGen CN230736.
Hereditary cancer-predisposing syndrome. Also called: Hereditary neoplastic syndrome; Hereditary Cancer Syndrome; Neoplastic Syndromes, Hereditary; Tumor predisposition. Identifiers: Orphanet 140162, MedGen C0027672, MeSH D009386, MONDO:0015356.
Neurofibromatosis, type 1 (NF1). Also called: Peripheral type neurofibromatosis; Neurofibromatosis, type I; NEUROFIBROMATOSIS, TYPE I, SOMATIC; VON RECKLINGHAUSEN DISEASE. Identifiers: Orphanet 636, MedGen C0027831, MONDO:0018975, OMIM 162200. Disease mechanism: loss of function.
NF1-related disorder. Also called: NF1-related condition. Identifiers: MedGen CN379171.

gnomAD v4.1: 1 of 1,613,896 alleles (0.000062%); highest among the groups gnomAD compares: Non-Finnish European, 0.000085%; no homozygotes.

Submissions (3):

Labcorp Genetics (formerly Invitae), Labcorp
Classification: Uncertain significance for Neurofibromatosis, type 1. Last evaluated: 2025-07-17. Review status: criteria provided, single submitter. Criteria: Invitae Variant Classification Sherloc (09022015). Collection method: clinical testing. Allele origin: germline.
Comment: This sequence change replaces threonine, which is neutral and polar, with asparagine, which is neutral and polar, at codon 685 of the NF1 protein (p.Thr685Asn). This variant is not present in population databases (gnomAD no frequency). This variant has not been reported in the literature in individuals affected with NF1-related conditions. ClinVar contains an entry for this variant (Variation ID: 1366001). Invitae Evidence Modeling of protein sequence and biophysical properties (such as structural, functional, and spatial information, amino acid conservation, physicochemical variation, residue mobility, and thermodynamic stability) has been performed for this missense variant. However, the output from this modeling did not meet the statistical confidence thresholds required to predict the impact of this variant on NF1 protein function. In summary, the available evidence is currently insufficient to determine the role of this variant in disease. Therefore, it has been classified as a Variant of Uncertain Significance.

Ambry Genetics
Classification: Uncertain significance for Cardiovascular phenotype; Hereditary cancer-predisposing syndrome. Last evaluated: 2025-01-08. Review status: criteria provided, single submitter. Criteria: Ambry Variant Classification Scheme 2023. Collection method: clinical testing. Allele origin: germline.
Comment: The p.T685N variant (also known as c.2054C>A), located in coding exon 18 of the NF1 gene, results from a C to A substitution at nucleotide position 2054. The threonine at codon 685 is replaced by asparagine, an amino acid with similar properties. This amino acid position is highly conserved in available vertebrate species. In addition, this alteration is predicted to be tolerated by in silico analysis. Based on the available evidence, the clinical significance of this variant remains unclear.

PreventionGenetics, part of Exact Sciences
Classification: Uncertain significance for NF1-related condition. Last evaluated: 2024-02-23. Review status: no assertion criteria provided. Collection method: clinical testing. Allele origin: germline. Not counted in ClinVar's aggregate classification.
Comment: The NF1 c.2054C>A variant is predicted to result in the amino acid substitution p.Thr685Asn. This variant was reported in an individual with phaeochromocytoma (supplementary table 5 patient #117, Ben Aim et al 2019. PubMed ID: 30877234). This variant has not been reported in a large population database, indicating this variant is rare. This variant is interpreted as uncertain in ClinVar. At this time, the clinical significance of this variant is uncertain due to the absence of conclusive functional and genetic evidence.